The following is an entry in ClinVar:

NM_001242896.3(DEPDC5):c.3331-30A>T

Gene: DEPDC5 (DEP domain containing 5, GATOR1 subcomplex subunit; plus strand). Cytogenetic location: 22q12.3.
Variant type: single nucleotide variant.
Coding change: c.3331-30A>T on transcript NM_001242896.3 (MANE Select); 30 bases into the intron before coding-DNA position 3331, A replaced by T.
Molecular consequence: intron variant.
Genome position (GRCh38, 1-based): chr22:31,870,560, A>T. VCF-style: chr22-31870560-A-T. GRCh37 (hg19) VCF-style: chr22-32266546-A-T.
Other names: NC_000022.10:g.32266546A>T; c.3331-30A>T (NM_001364318.2); c.3304-30A>T (NM_001136029.4); c.3238-30A>T (NM_014662.6, NM_001369903.1); c.3265-30A>T (NM_001363852.2, NM_001364320.2); c.3097-30A>T (NM_001363854.2, NM_001364319.2); c.3031-30A>T (NM_001242897.2); c.3247-30A>T (NM_001369902.1, NM_001369901.1).
Identifiers: ClinVar variation 1292615 (VCV001292615.6), dbSNP rs5994441, ClinGen allele CA10196954.

ClinVar aggregate classification (germline): Benign. Review status: criteria provided, multiple submitters, no conflicts (2 of 4 stars). 3 submissions from 3 submitters: Benign (3). Last evaluated 2024-07-15.

Allele frequency attached by ClinVar (database versions not stated): gnomAD exomes 0.27461 and 0.29723; ExAC 0.30504; ESP Exome Variant Server 0.33624; gnomAD 0.34150 and 0.34660; TOPMed 0.34725; 1000 Genomes Project 0.35024; 1000 Genomes Project 30x 0.35540.
gnomAD v4.1: 412,693 of 1,463,194 alleles (28%); highest among the groups gnomAD compares: African/African-American, 51%; 61,391 homozygotes.

Submissions (5):

Unidad de Genómica Garrahan, Hospital de Pediatría Garrahan
Classification: Benign. Last evaluated: 2024-07-15. Review status: criteria provided, single submitter. Criteria: ACMG Guidelines, 2015. Collection method: clinical testing. Allele origin: germline. Affected: no. Observed: 37 variant alleles.
Comment: This variant is classified as Benign based on local population frequency. This variant was detected in 40% of patients studied in a panel designed for Epileptic and Developmental Encephalopathy and Progressive Myoclonus Epilepsy. Number of patients: 37. Only high quality variants are reported.

GeneDx
Classification: Benign. Last evaluated: 2018-07-15. Review status: criteria provided, single submitter. Criteria: GeneDx Variant Classification Process June 2021. Collection method: clinical testing. Allele origin: germline. Affected: yes.

Breakthrough Genomics
Classification: Benign. Review status: criteria provided, single submitter. Criteria: ACMG Guidelines, 2015. Collection method: not provided. Allele origin: germline. Inheritance: Autosomal dominant inheritance. Affected: yes.

Dr. Peter K. Rogan Lab, Western University
No classification provided (evidence only). Condition: Malignant lymphoma, large B-cell, diffuse. Review status: no classification provided. Collection method: in vitro. Allele origin: not applicable. Functional consequence: retained intron. Not counted in ClinVar's aggregate classification.

Dr. Peter K. Rogan Lab, Western University
No classification provided (evidence only). Condition: Malignant lymphoma, large B-cell, diffuse. Review status: no classification provided. Collection method: in vitro. Allele origin: not applicable. Functional consequence: retained intron. Not counted in ClinVar's aggregate classification.